The following is an entry in ClinVar:

NM_021222.3(PRUNE1):c.259G>A (p.Asp87Asn)

Gene: PRUNE1 (prune exopolyphosphatase 1; plus strand). Cytogenetic location: 1q21.3.
Variant type: single nucleotide variant.
Coding change: c.259G>A on transcript NM_021222.3 (MANE Select); coding-DNA position 259, G replaced by A.
Protein change: p.Asp87Asn; replaces aspartic acid 87 with asparagine.
Molecular consequence: missense variant. On other transcripts: 5 prime UTR variant (1), intron variant (1).
Genome position (GRCh38, 1-based): chr1:151,018,593, G>A. VCF-style: chr1-151018593-G-A. GRCh37 (hg19) VCF-style: chr1-150991069-G-A.
Other names: c.259G>A, p.Asp87Asn (NM_001303242.2); c.-1G>A (NM_001303243.2); c.-212+689G>A (NM_001303229.2); short protein forms D87N.
Identifiers: ClinVar variation 2146924 (VCV002146924.5), dbSNP rs201533073, ClinGen allele CA1083733.
Genomic context (GRCh38, chr1:151,018,593, plus strand): 5'-GGTGACATTGTCTTCTTTCTTCAGAAGGTTCATATTCCAGAGAGTATCTTGATTTTTCGG[G>A]ATGAGATTGACCTCCATGCATTATACCAGGCTGGCCAACTCACCCTCATCCTTGTCGACC-3'
Protein context (NP_067045.1, residues 77-97): HIPESILIFR[Asp87Asn]EIDLHALYQA

ClinVar aggregate classification (germline): Uncertain significance. Review status: criteria provided, multiple submitters, no conflicts (2 of 4 stars). 2 submissions from 2 submitters: Uncertain significance (2). Last evaluated 2025-10-11.

Conditions:
Inborn genetic diseases. Identifiers: MedGen C0950123, MeSH D030342.

Allele frequency attached by ClinVar (database versions not stated): gnomAD exomes 0.00005; ExAC 0.00006; gnomAD 0.00007; TOPMed 0.00007; ESP Exome Variant Server 0.00008.

Submissions (2):

Labcorp Genetics (formerly Invitae), Labcorp
Classification: Uncertain significance. Last evaluated: 2025-10-11. Review status: criteria provided, single submitter. Criteria: Invitae Variant Classification Sherloc (09022015). Collection method: clinical testing. Allele origin: germline.
Comment: This sequence change replaces aspartic acid, which is acidic and polar, with asparagine, which is neutral and polar, at codon 87 of the PRUNE1 protein (p.Asp87Asn). This variant is present in population databases (rs201533073, gnomAD 0.01%). This variant has not been reported in the literature in individuals affected with PRUNE1-related conditions. ClinVar contains an entry for this variant (Variation ID: 2146924). Invitae Evidence Modeling of protein sequence and biophysical properties (such as structural, functional, and spatial information, amino acid conservation, physicochemical variation, residue mobility, and thermodynamic stability) indicates that this missense variant is not expected to disrupt PRUNE1 protein function with a negative predictive value of 80%. In summary, the available evidence is currently insufficient to determine the role of this variant in disease. Therefore, it has been classified as a Variant of Uncertain Significance.

Ambry Genetics
Classification: Uncertain significance for Inborn genetic diseases. Last evaluated: 2021-09-01. Review status: criteria provided, single submitter. Criteria: Ambry Variant Classification Scheme 2023. Collection method: clinical testing. Allele origin: germline.